The following is an entry in ClinVar:

ClinVar aggregate classification (germline): Likely pathogenic (1 of 4 stars; one submission).

Conditions:
Congenital myopathy 4B, autosomal recessive. Also called: Nemaline myopathy 1, autosomal dominant or recessive. Identifiers: Orphanet 171433, Orphanet 171439, Orphanet 171881, MedGen C5829889, MONDO:0012239, OMIM 609284.
Congenital myopathy with fiber type disproportion. Also called: Congenital fiber-type disproportion; Congenital fiber-type disproportion myopathy. Identifiers: Orphanet 2020, MedGen C0546264, MONDO:0009711. Inheritance: all.

Submission:

Labcorp Genetics (formerly Invitae), Labcorp
Classification: Likely pathogenic for Congenital myopathy with fiber type disproportion; Congenital myopathy 4B, autosomal recessive. Last evaluated: 2021-10-11. Review status: criteria provided, single submitter. Criteria: Invitae Variant Classification Sherloc (09022015). Collection method: clinical testing. Allele origin: germline.
Comment: This sequence change replaces aspartic acid with valine at codon 15 of the TPM3 protein (p.Asp15Val). The aspartic acid residue is highly conserved and there is a large physicochemical difference between aspartic acid and valine. This variant is not present in population databases (ExAC no frequency). This variant has not been reported in the literature in individuals affected with TPM3-related conditions. Advanced modeling of protein sequence and biophysical properties (such as structural, functional, and spatial information, amino acid conservation, physicochemical variation, residue mobility, and thermodynamic stability) performed at Invitae indicates that this missense variant is expected to disrupt TPM3 protein function. This variant disrupts the p.Asp15 amino acid residue in TPM3. Other variant(s) that disrupt this residue have been determined to be pathogenic (Invitae). This suggests that this residue is clinically significant, and that variants that disrupt this residue are likely to be disease-causing. In summary, the currently available evidence indicates that the variant is pathogenic, but additional data are needed to prove that conclusively. Therefore, this variant has been classified as Likely Pathogenic.

NM_152263.4(TPM3):c.44A>T (p.Asp15Val)

Gene: TPM3 (tropomyosin 3; minus strand). Cytogenetic location: 1q21.3.
Variant type: single nucleotide variant.
Coding change: c.44A>T on transcript NM_152263.4 (MANE Select); coding-DNA position 44, A replaced by T.
Protein change: p.Asp15Val; replaces aspartic acid 15 with valine.
Molecular consequence: missense variant. On other transcripts: non-coding transcript variant (1).
Genome position (GRCh38, 1-based): chr1:154,191,975, T>A on the plus strand (A>T on the coding strand, the complement: TPM3 is on the minus strand). VCF-style: chr1-154191975-T-A. GRCh37 (hg19) VCF-style: chr1-154164451-T-A.
Other names: c.44A>T, p.Asp15Val (NM_001364679.2, NM_001364680.2, NM_001364681.2 and 1 more transcripts); short protein forms D15V.
Identifiers: ClinVar variation 1510671 (VCV001510671.6), dbSNP rs2148295444, ClinGen allele CA342587508.
Genomic context (GRCh38, chr1:154,191,975, plus strand): 5'-TCTTCTGCCTGCTTCTGCTCAGCTTCAGCTTGCTCTGCCCGATCCAGAGCATTCTCCTTG[T>A]CTAACTTCAGCATCTGCATCTTTTTCTTGATGGCCTCCATCATGAGCAGTGGCTGTTGGT-3'
Protein context (NP_689476.2, residues 5-25): IKKKMQMLKL[Asp15Val]KENALDRAEQ